The following is an entry in ClinVar:

NM_003172.4(SURF1):c.281dup (p.Leu94fs)

Gene: SURF1 (SURF1 cytochrome c oxidase assembly factor; minus strand). Cytogenetic location: 9q34.2.
Variant type: Duplication.
Coding change: c.281dup on transcript NM_003172.4 (MANE Select); coding-DNA position 281, one base duplicated (T; older notation c.281dupT).
Protein change: p.Leu94fs; shifts the reading frame from leucine 94.
Molecular consequence: frameshift variant. On other transcripts: 5 prime UTR variant (1).
Genome position (GRCh38, 1-based): chr9:133,354,701, A duplicated on the plus strand (T on the coding strand, the reverse complement: SURF1 is on the minus strand); the first of 2 consecutive A bases (chr9:133,354,701-133,354,702); duplicating either gives the same sequence. VCF-style (leftmost placement, unchanged base first): chr9-133354700-C-CA. GRCh37 (hg19) VCF-style: chr9-136221555-C-CA.
Other names: p.Leu94Phefs*8; c.281dupT (NM_003172.3); c.-47dup (NM_001280787.1); short protein forms L94fs.
Identifiers: ClinVar variation 643552 (VCV000643552.14), dbSNP rs1588691786, ClinGen allele CA915947332.

ClinVar aggregate classification (germline): Pathogenic/Likely pathogenic. Review status: criteria provided, multiple submitters, no conflicts (2 of 4 stars). 5 submissions from 5 submitters: Pathogenic (3); Likely pathogenic (1). 1 of the submissions does not count toward it. Last evaluated 2025-08-20.

Conditions:
SURF1-related disorder. Also called: SURF1-related condition.
Mitochondrial complex IV deficiency, nuclear type 1 (MC4DN1). Also called: Complex 4 mitochondrial respiratory chain deficiency; Deficiency of mitochondrial respiratory chain complex4; Complex IV deficiency; COX DEFICIENCY; Mitochondrial complex IV deficiency. Identifiers: MedGen C5435656, MONDO:0700250, OMIM 220110. Disease mechanism: loss of function.
Charcot-Marie-Tooth disease type 4K. Also called: CHARCOT-MARIE-TOOTH DISEASE, DEMYELINATING, AUTOSOMAL RECESSIVE, TYPE 4K; CHARCOT-MARIE-TOOTH NEUROPATHY, DEMYELINATING, AUTOSOMAL RECESSIVE, TYPE 4K; CHARCOT-MARIE-TOOTH DISEASE, DEMYELINATING, TYPE 4K. Identifiers: Orphanet 391351, MedGen C4225246, MONDO:0014733, OMIM 616684.
Leigh syndrome (NULS). Also called: Subacute necrotizing encephalopathy; Necrotizing encephalopathy infantile subacute of Leigh; LEIGH SYNDROME, NUCLEAR; Leigh's necrotizing encephalopathy; Leigh's disease; Leigh Syndrome (mtDNA deletion). Identifiers: Orphanet 506, MedGen C2931891, MONDO:0009723, OMIM 256000.

Submissions (5):

Mayo Clinic Laboratories, Mayo Clinic
Classification: Pathogenic. Last evaluated: 2025-08-20. Review status: criteria provided, single submitter. Criteria: ACMG Guidelines, 2015. Collection method: clinical testing. Allele origin: germline. Observed: 1 variant allele.
Comment: PM2_supporting, PM3, PVS1

Labcorp Genetics (formerly Invitae), Labcorp
Classification: Pathogenic for Leigh syndrome. Last evaluated: 2023-09-21. Review status: criteria provided, single submitter. Criteria: Invitae Variant Classification Sherloc (09022015). Collection method: clinical testing. Allele origin: germline.
Comment: For these reasons, this variant has been classified as Pathogenic. ClinVar contains an entry for this variant (Variation ID: 643552). This premature translational stop signal has been observed in individual(s) with Leigh syndrome (PMID: 2933018, 24462369, 29933018, 32445240). In at least one individual the data is consistent with being in trans (on the opposite chromosome) from a pathogenic variant. This variant is not present in population databases (gnomAD no frequency). This sequence change creates a premature translational stop signal (p.Leu94Phefs*8) in the SURF1 gene. It is expected to result in an absent or disrupted protein product. Loss-of-function variants in SURF1 are known to be pathogenic (PMID: 10443880, 22488715, 24027061).

Women's Health and Genetics/Laboratory Corporation of America, LabCorp
Classification: Likely pathogenic for Leigh syndrome. Last evaluated: 2022-12-08. Review status: criteria provided, single submitter. Criteria: LabCorp Variant Classification Summary - May 2015. Collection method: clinical testing. Allele origin: germline.
Comment: Variant summary: SURF1 c.281dupT (p.Leu94PhefsX8) results in a premature termination codon, predicted to cause a truncation of the encoded protein or absence of the protein due to nonsense mediated decay, which are commonly known mechanisms for disease. Truncations downstream of this position have been classified as pathogenic by our laboratory. The variant was absent in 251306 control chromosomes (gnomAD). c.281dupT has been reported in the literature in individuals affected with Leigh Syndrome (examples: Alves_2020, Li_2018, and Lim_2014). These data indicate that the variant may be associated with disease. To our knowledge, no experimental evidence demonstrating an impact on protein function has been reported. One clinical diagnostic laboratory has submitted clinical-significance assessments for this variant to ClinVar after 2014 and classified the variant as pathogenic. Based on the evidence outlined above, the variant was classified as likely pathogenic.

Juno Genomics, Hangzhou Juno Genomics, Inc
Classification: Pathogenic for Charcot-Marie-Tooth disease type 4K; Mitochondrial complex IV deficiency, nuclear type 1. Review status: criteria provided, single submitter. Criteria: ACMG Guidelines, 2015. Collection method: clinical testing. Allele origin: germline.
Comment: Absent from controls (or at extremely low frequency if recessive) in Genome Aggregation Database.;Null variant in a gene where loss of function (LOF) is a known mechanism of disease.;For recessive disorders, detected in trans with a pathogenic variant.

PreventionGenetics, part of Exact Sciences
Classification: Pathogenic for SURF1-related condition. Last evaluated: 2023-12-29. Review status: no assertion criteria provided. Collection method: clinical testing. Allele origin: germline. Not counted in ClinVar's aggregate classification.
Comment: The SURF1 c.281dupT variant is predicted to result in a frameshift and premature protein termination (p.Leu94Phefs*8). This variant has been reported in the presumed compound heterozygous state in at least three individuals with Leigh syndrome (Lim et al. 2014. PubMed ID: 24462369; Li et al. 2018. PubMed ID: 29933018; Alves et al. 2020. PubMed ID: 32445240). This variant has not been reported in a large population database, indicating this variant is rare. Frameshift variants in SURF1 are expected to be pathogenic. This variant is interpreted as pathogenic.

Literature cited by the submitters: PubMed 24462369 (cited by 3 submitters); PubMed 29933018 (cited by 3 submitters); PubMed 32445240 (cited by 3 submitters); PubMed 34052969 (cited by Mayo Clinic Laboratories, Mayo Clinic and Women's Health and Genetics/Laboratory Corporation of America, LabCorp); PubMed 38871447 (cited by Mayo Clinic Laboratories, Mayo Clinic); PubMed 2933018 (cited by Labcorp Genetics (formerly Invitae), Labcorp); PubMed 10443880 (cited by Labcorp Genetics (formerly Invitae), Labcorp); PubMed 22488715 (cited by Labcorp Genetics (formerly Invitae), Labcorp); PubMed 24027061 (cited by Labcorp Genetics (formerly Invitae), Labcorp).